The following is an entry in ClinVar:

NM_001197104.2(KMT2A):c.10690C>T (p.Arg3564Trp)

Gene: KMT2A (lysine methyltransferase 2A; plus strand). Cytogenetic location: 11q23.3.
Variant type: single nucleotide variant.
Coding change: c.10690C>T on transcript NM_001197104.2 (MANE Select); coding-DNA position 10690, C replaced by T.
Protein change: p.Arg3564Trp; replaces arginine 3564 with tryptophan.
Molecular consequence: missense variant.
Genome position (GRCh38, 1-based): chr11:118,506,582, C>T. VCF-style: chr11-118506582-C-T. GRCh37 (hg19) VCF-style: chr11-118377297-C-T.
Other names: c.10681C>T, p.Arg3561Trp (NM_005933.4); short protein forms R3564W, R3561W.
Identifiers: ClinVar variation 597304 (VCV000597304.40), dbSNP rs555310772, ClinGen allele CA6304792.

ClinVar aggregate classification (germline): Benign/Likely benign. Review status: criteria provided, multiple submitters, no conflicts (2 of 4 stars). 5 submissions from 5 submitters: Benign (2); Likely benign (3). Last evaluated 2026-06-01.

Allele frequency attached by ClinVar (database versions not stated): gnomAD 0.00003 and 0.00036; TOPMed 0.00005; gnomAD exomes 0.00106; ExAC 0.00117; 1000 Genomes Project 30x 0.00359; 1000 Genomes Project 0.00379.
gnomAD v4.1: 759 of 1,613,910 alleles (0.047%); highest among the groups gnomAD compares: South Asian, 0.76%; 5 homozygotes.

Submissions (5):

CeGaT Center for Human Genetics Tuebingen
Classification: Likely benign. Last evaluated: 2026-06-01. Review status: criteria provided, single submitter. Criteria: CeGaT Center For Human Genetics Tuebingen Variant Classification Criteria Version 2. Collection method: clinical testing. Allele origin: germline. Affected: yes. Observed: 2 variant alleles.
Comment: KMT2A: BP4, BS1

Labcorp Genetics (formerly Invitae), Labcorp
Classification: Benign. Last evaluated: 2026-01-29. Review status: criteria provided, single submitter. Criteria: Invitae Variant Classification Sherloc (09022015). Collection method: clinical testing. Allele origin: germline.

Blueprint Genetics
Classification: Likely benign. Last evaluated: 2024-10-21. Review status: criteria provided, single submitter. Criteria: ACMG Guidelines, 2015. Collection method: clinical testing. Allele origin: germline.

GeneDx
Classification: Benign. Last evaluated: 2019-12-12. Review status: criteria provided, single submitter. Criteria: GeneDx Variant Classification Process June 2021. Collection method: clinical testing. Allele origin: germline. Affected: yes.

Eurofins Ntd Llc (ga)
Classification: Likely benign. Last evaluated: 2018-05-21. Review status: criteria provided, single submitter. Criteria: EGL ClinVar v180209 classification definitions. Collection method: clinical testing. Allele origin: germline. Observed: 1 variant allele, 1 heterozygote.